The following is an entry in ClinVar:

NM_004187.5(KDM5C):c.3358G>T (p.Glu1120Ter)

Gene: KDM5C (lysine demethylase 5C; minus strand). Cytogenetic location: Xp11.22.
Variant type: single nucleotide variant.
Coding change: c.3358G>T on transcript NM_004187.5 (MANE Select); coding-DNA position 3358, G replaced by T.
Protein change: p.Glu1120Ter; replaces glutamic acid 1120 with a stop codon.
Molecular consequence: nonsense. On other transcripts: non-coding transcript variant (3).
Genome position (GRCh38, 1-based): chrX:53,195,011, C>A on the plus strand (G>T on the coding strand, the complement: KDM5C is on the minus strand). VCF-style: chrX-53195011-C-A. GRCh37 (hg19) VCF-style: chrX-53224193-C-A.
Other names: c.3157G>T, p.Glu1053Ter (NM_001146702.2); c.3355G>T, p.Glu1119Ter (NM_001282622.3, NM_001353979.2, NM_001353982.2); c.3358G>T, p.Glu1120Ter (NM_001353978.3, NM_001353981.2, NM_001353984.2); short protein forms E1119*, E1120*, E1053*.
Identifiers: ClinVar variation 2135250 (VCV002135250.4), dbSNP rs2519380755, ClinGen allele CA413109775.

ClinVar aggregate classification (germline): Pathogenic (1 of 4 stars; one submission).

Conditions:
Spastic paraplegia. Identifiers: MedGen C0037772, HP:0001258.

Submission:

Labcorp Genetics (formerly Invitae), Labcorp
Classification: Pathogenic for Spastic paraplegia. Last evaluated: 2024-10-17. Review status: criteria provided, single submitter. Criteria: Invitae Variant Classification Sherloc (09022015). Collection method: clinical testing. Allele origin: germline.
Comment: This sequence change creates a premature translational stop signal (p.Glu1120*) in the KDM5C gene. It is expected to result in an absent or disrupted protein product. Loss-of-function variants in KDM5C are known to be pathogenic (PMID: 15586325, 18697827). This variant is not present in population databases (gnomAD no frequency). This variant has not been reported in the literature in individuals affected with KDM5C-related conditions. ClinVar contains an entry for this variant (Variation ID: 2135250). For these reasons, this variant has been classified as Pathogenic.

Literature cited by the submitters: PubMed 15586325; PubMed 18697827.